The following is an entry in ClinVar:

ClinVar aggregate classification (germline): Uncertain significance. Review status: criteria provided, multiple submitters, no conflicts (2 of 4 stars). 6 submissions from 6 submitters: Uncertain significance (6). Last evaluated 2025-10-08.

Conditions:
Lethal congenital glycogen storage disease of heart. Also called: GLYCOGEN STORAGE DISEASE OF HEART; PHOSPHORYLASE KINASE DEFICIENCY OF HEART. Identifiers: Orphanet 439854, MedGen C1849813, MONDO:0009867, OMIM 261740.
Hypertrophic cardiomyopathy. Also called: HYPERTROPHIC MYOCARDIOPATHY. Identifiers: Orphanet 217569, MedGen C0007194, MeSH D002312, MONDO:0005045, HP:0001639.
Cardiovascular phenotype. Identifiers: MedGen CN230736.
Cardiomyopathy (CMYO). Also called: Cardiomyopathies. Identifiers: Orphanet 167848, MedGen C0878544, MONDO:0004994, HP:0001638. Inheritance: Various modes of inheritance.

Allele frequency attached by ClinVar (database versions not stated): TOPMed 0.00003.
gnomAD v4.1: 7 of 1,614,172 alleles (0.00043%); highest among the groups gnomAD compares: Non-Finnish European, 0.00059%; no homozygotes.

Submissions (6):

Mayo Clinic Laboratories, Mayo Clinic
Classification: Uncertain significance. Last evaluated: 2025-10-08. Review status: criteria provided, single submitter. Criteria: ACMG Guidelines, 2015. Collection method: clinical testing. Allele origin: germline. Observed: 1 variant allele.

Labcorp Genetics (formerly Invitae), Labcorp
Classification: Uncertain significance for Lethal congenital glycogen storage disease of heart. Last evaluated: 2024-12-22. Review status: criteria provided, single submitter. Criteria: Invitae Variant Classification Sherloc (09022015). Collection method: clinical testing. Allele origin: germline.
Comment: This sequence change replaces asparagine, which is neutral and polar, with isoleucine, which is neutral and non-polar, at codon 512 of the PRKAG2 protein (p.Asn512Ile). This variant is present in population databases (rs766113743, gnomAD 0.003%). This variant has not been reported in the literature in individuals affected with PRKAG2-related conditions. ClinVar contains an entry for this variant (Variation ID: 465340). Invitae Evidence Modeling of protein sequence and biophysical properties (such as structural, functional, and spatial information, amino acid conservation, physicochemical variation, residue mobility, and thermodynamic stability) indicates that this missense variant is not expected to disrupt PRKAG2 protein function with a negative predictive value of 95%. In summary, the available evidence is currently insufficient to determine the role of this variant in disease. Therefore, it has been classified as a Variant of Uncertain Significance.

All of Us Research Program, National Institutes of Health
Classification: Uncertain significance for Hypertrophic cardiomyopathy. Last evaluated: 2024-05-30. Review status: criteria provided, single submitter. Criteria: ACMG Guidelines, 2015. Collection method: clinical testing. Allele origin: germline. Inheritance: Autosomal dominant inheritance. Observed: 3 variant alleles, 3 heterozygotes.
Comment: This missense variant replaces asparagine with isoleucine at codon 512 of the PRKAG2 protein. Computational prediction tools and conservation analyses are inconclusive regarding the impact of this variant on the protein function. Computational splicing tools suggest that this variant may not impact RNA splicing. To our knowledge, functional assays have not been performed for this variant nor has this variant been reported in individuals affected with cardiovascular disorders in the literature. This variant has been identified in 3/251492 chromosomes in the general population by the Genome Aggregation Database (gnomAD). Available evidence is insufficient to determine the role of this variant in disease conclusively. Therefore, this variant is classified as a Variant of Uncertain Significance.

This study involves interpretation of variants in research participants for the purpose of population health screening. Participant phenotype was not available at the time of variant classification. Additional details can be found in publication PMID: 35346344, PMCID: PMC8962531

Color Diagnostics, LLC DBA Color Health
Classification: Uncertain significance for Cardiomyopathy. Last evaluated: 2024-03-06. Review status: criteria provided, single submitter. Criteria: ACMG Guidelines, 2015. Collection method: clinical testing. Allele origin: germline.
Comment: This variant is located in the PRKAG2 protein. Computational prediction suggests that this variant may not impact protein structure and function (internally defined REVEL score threshold <= 0.5, PMID: 27666373). To our knowledge, functional studies have not been reported for this variant. This variant has not been reported in individuals affected with PRKAG2-related disorders in the literature. This variant has been identified in 3/251492 chromosomes in the general population by the Genome Aggregation Database (gnomAD). The available evidence is insufficient to determine the role of this variant in disease conclusively. Therefore, this variant is classified as a Variant of Uncertain Significance.

Ambry Genetics
Classification: Uncertain significance for Cardiovascular phenotype. Last evaluated: 2024-01-27. Review status: criteria provided, single submitter. Criteria: Ambry Variant Classification Scheme 2023. Collection method: clinical testing. Allele origin: germline.
Comment: The p.N512I variant (also known as c.1535A>T), located in coding exon 14 of the PRKAG2 gene, results from an A to T substitution at nucleotide position 1535. The asparagine at codon 512 is replaced by isoleucine, an amino acid with dissimilar properties. This amino acid position is conserved. In addition, this alteration is predicted to be tolerated by in silico analysis. Based on the available evidence, the clinical significance of this alteration remains unclear.

GeneDx
Classification: Uncertain significance. Last evaluated: 2020-06-16. Review status: criteria provided, single submitter. Criteria: GeneDx Variant Classification Process June 2021. Collection method: clinical testing. Allele origin: germline. Affected: yes.
Comment: Not observed at a significant frequency in large population cohorts (Lek et al., 2016); In silico analysis supports that this missense variant has a deleterious effect on protein structure/function

NM_016203.4(PRKAG2):c.1535A>T (p.Asn512Ile)

Gene: PRKAG2 (protein kinase AMP-activated non-catalytic subunit gamma 2; minus strand). Cytogenetic location: 7q36.1.
Variant type: single nucleotide variant.
Coding change: c.1535A>T on transcript NM_016203.4 (MANE Select); coding-DNA position 1535, A replaced by T.
Protein change: p.Asn512Ile; replaces asparagine 512 with isoleucine.
Molecular consequence: missense variant.
Genome position (GRCh38, 1-based): chr7:151,564,127, T>A on the plus strand (A>T on the coding strand, the complement: PRKAG2 is on the minus strand). VCF-style: chr7-151564127-T-A. GRCh37 (hg19) VCF-style: chr7-151261213-T-A.
Other names: p.Asn512Ile; c.1403A>T, p.Asn468Ile (NM_001040633.2); c.1160A>T, p.Asn387Ile (NM_001304527.2); c.812A>T, p.Asn271Ile (NM_001304531.2, NM_024429.2); c.1163A>T, p.Asn388Ile (NM_001363698.2); short protein forms N512I, N468I, N271I, N388I, N387I.
Identifiers: ClinVar variation 465340 (VCV000465340.18), dbSNP rs766113743, ClinGen allele CA055338.